The following is an entry in ClinVar:

NM_014003.4(DHX38):c.1031C>G (p.Ser344Cys)

Gene: DHX38 (DEAH-box helicase 38; plus strand). Cytogenetic location: 16q22.2.
Variant type: single nucleotide variant.
Coding change: c.1031C>G on transcript NM_014003.4 (MANE Select); coding-DNA position 1031, C replaced by G.
Protein change: p.Ser344Cys; replaces serine 344 with cysteine.
Molecular consequence: missense variant.
Genome position (GRCh38, 1-based): chr16:72,099,802, C>G. VCF-style: chr16-72099802-C-G. GRCh37 (hg19) VCF-style: chr16-72133701-C-G.
Other names: short protein forms S344C.
Identifiers: ClinVar variation 2071814 (VCV002071814.4), dbSNP rs553951253, ClinGen allele CA396704350.

ClinVar aggregate classification (germline): Uncertain significance (1 of 4 stars; one submission).

gnomAD v4.1: 2 of 1,614,182 alleles (0.00012%); highest among the groups gnomAD compares: African/African-American, 0.0013%; no homozygotes.

Submission:

Labcorp Genetics (formerly Invitae), Labcorp
Classification: Uncertain significance. Last evaluated: 2024-04-22. Review status: criteria provided, single submitter. Criteria: Invitae Variant Classification Sherloc (09022015). Collection method: clinical testing. Allele origin: germline.
Comment: This sequence change replaces serine, which is neutral and polar, with cysteine, which is neutral and slightly polar, at codon 344 of the DHX38 protein (p.Ser344Cys). This variant is not present in population databases (gnomAD no frequency). This variant has not been reported in the literature in individuals affected with DHX38-related conditions. ClinVar contains an entry for this variant (Variation ID: 2071814). Advanced modeling of protein sequence and biophysical properties (such as structural, functional, and spatial information, amino acid conservation, physicochemical variation, residue mobility, and thermodynamic stability) has been performed at Invitae for this missense variant, however the output from this modeling did not meet the statistical confidence thresholds required to predict the impact of this variant on DHX38 protein function. In summary, the available evidence is currently insufficient to determine the role of this variant in disease. Therefore, it has been classified as a Variant of Uncertain Significance.